The following is an entry in ClinVar:

NM_001034850.3(RETREG1):c.797G>C (p.Arg266Pro)

Gene: RETREG1 (reticulophagy regulator 1; minus strand). Cytogenetic location: 5p15.1.
Variant type: single nucleotide variant.
Coding change: c.797G>C on transcript NM_001034850.3 (MANE Select); coding-DNA position 797, G replaced by C.
Protein change: p.Arg266Pro; replaces arginine 266 with proline.
Molecular consequence: missense variant.
Genome position (GRCh38, 1-based): chr5:16,478,861, C>G on the plus strand (G>C on the coding strand, the complement: RETREG1 is on the minus strand). VCF-style: chr5-16478861-C-G. GRCh37 (hg19) VCF-style: chr5-16478970-C-G.
Other names: c.374G>C, p.Arg125Pro (NM_019000.5); short protein forms R266P, R125P.
Identifiers: ClinVar variation 245856 (VCV000245856.2), dbSNP rs374340868, ClinGen allele CA10584272.

ClinVar aggregate classification (germline): Uncertain significance (1 of 4 stars; one submission).

Submission:

GeneDx
Classification: Uncertain significance. Last evaluated: 2015-08-05. Review status: criteria provided, single submitter. Criteria: GeneDx Variant Classification (06012015). Collection method: clinical testing. Allele origin: germline. Affected: yes.
Comment: The R266P variant has not been published as pathogenic, nor has it been reported as a benign polymorphism to our knowledge. It was not observed in approximately 5,900 individuals of European and African American ancestry in the NHLBI Exome Sequencing Project, indicating it is not a common benign variant in these populations. The R266P variant is a non-conservative amino acid substitution, which is likely to impact secondary protein structure as these residues differ in polarity, charge, size and/or other properties. However, this substitution occurs at a position where amino acids with similar properties to Arginine are tolerated across species. In silico analysis is inconsistent in its predictions as to whether or not the variant is damaging to the protein structure/function. Additionally, missense variants have not been reported in association with neuropathy (Stenson et al., 2014). Therefore, based on the currently available information, it is unclear whether this variant is a pathogenic or a rare benign variant.